The following is an entry in ClinVar:

NM_000540.3(RYR1):c.13488_13505del (p.Pro4497_Glu4502del)

Gene: RYR1 (ryanodine receptor 1; plus strand). Cytogenetic location: 19q13.2.
Variant type: Deletion.
Coding change: c.13488_13505del on transcript NM_000540.3 (MANE Select); coding-DNA positions 13488 to 13505, 18 bases deleted (ACCAGAGCTGGAGCCGGA).
Protein change: p.Pro4497_Glu4502del.
Molecular consequence: inframe deletion.
Genome position (GRCh38, 1-based): chr19:38,566,961-38,566,978, ACCAGAGCTGGAGCCGGA deleted; deleting any 18 consecutive bases within chr19:38,566,953-38,566,978 gives the same sequence; the c. name uses the placement nearest the transcript's 3' end. VCF-style (leftmost placement, unchanged base first): chr19-38566952-CGAGCCGGAACCAGAGCTG-C. GRCh37 (hg19) VCF-style: chr19-39057592-CGAGCCGGAACCAGAGCTG-C.
Other names: c.13473_13490del, p.Pro4492_Glu4497del (NM_001042723.2).
Identifiers: ClinVar variation 3072484 (VCV003072484.1), dbSNP rs1568586319, ClinGen allele CA632873848.

ClinVar aggregate classification (germline): Uncertain significance (1 of 4 stars; one submission).

Conditions:
Malignant hyperthermia, susceptibility to, 1 (MHS1). Also called: Anesthesia related hyperthermia; Malignant hyperpyrexia; Fulminating hyperpyrexia; Pharmacogenic myopathy; RYR1-Related Malignant Hyperthermia Susceptibility; Malignant hyperthermia suceptibility 1. Identifiers: Orphanet 423, MedGen C2930980, MONDO:0007783, OMIM 145600.

Submission:

All of Us Research Program, National Institutes of Health
Classification: Uncertain significance for Malignant hyperthermia, susceptibility to, 1. Last evaluated: 2023-12-13. Review status: criteria provided, single submitter. Criteria: ACMG Guidelines, 2015. Collection method: clinical testing. Allele origin: germline. Inheritance: Autosomal dominant inheritance. Observed: 2 variant alleles, 2 heterozygotes.
Comment: This variant causes the in-frame deletion of six amino acids in the RYR1 protein. To our knowledge, functional studies have not been reported for this variant. This variant has not been reported in individuals affected with RYR1-related disorders in the literature. This variant has been identified in 1/31350 chromosomes in the general population by the Genome Aggregation Database (gnomAD). The available evidence is insufficient to determine the role of this variant in disease conclusively. Therefore, this variant is classified as a Variant of Uncertain Significance.

This study involves interpretation of variants in research participants for the purpose of population health screening. Participant phenotype was not available at the time of variant classification. Additional details can be found in publication PMID: 35346344, PMCID: PMC8962531